The following is an entry in ClinVar:

ClinVar aggregate classification (germline): Likely benign. Review status: criteria provided, multiple submitters, no conflicts (2 of 4 stars). 2 submissions from 2 submitters: Likely benign (2). Last evaluated 2025-05-26.

Conditions:
Ehlers-Danlos syndrome, kyphoscoliotic type 1 (EDSKSCL1). Also called: EHLERS-DANLOS SYNDROME, TYPE VIA; EHLERS-DANLOS SYNDROME, OCULAR-SCOLIOTIC TYPE; PLOD1-Related Kyphoscoliotic Ehlers-Danlos Syndrome; Ehlers-Danlos syndrome, hydroxylysine-deficient. Identifiers: Orphanet 1900, MedGen C0268342, MONDO:0016002, OMIM 225400. Disease mechanism: loss of function.

gnomAD v4.1: 32 of 1,613,744 alleles (0.002%); highest among the groups gnomAD compares: Non-Finnish European, 0.0026%; no homozygotes.

Submissions (2):

Labcorp Genetics (formerly Invitae), Labcorp
Classification: Likely benign for Ehlers-Danlos syndrome, kyphoscoliotic type 1. Last evaluated: 2025-05-26. Review status: criteria provided, single submitter. Criteria: Invitae Variant Classification Sherloc (09022015). Collection method: clinical testing. Allele origin: germline.

GeneDx
Classification: Likely benign. Last evaluated: 2017-10-26. Review status: criteria provided, single submitter. Criteria: GeneDx Variant Classification (06012015). Collection method: clinical testing. Allele origin: germline. Affected: yes.
Comment: This variant is considered likely benign or benign based on one or more of the following criteria: it is a conservative change, it occurs at a poorly conserved position in the protein, it is predicted to be benign by multiple in silico algorithms, and/or has population frequency not consistent with disease.

NM_000302.4(PLOD1):c.1903-18C>T

Gene: PLOD1 (procollagen-lysine,2-oxoglutarate 5-dioxygenase 1; plus strand). Cytogenetic location: 1p36.22.
Variant type: single nucleotide variant.
Coding change: c.1903-18C>T on transcript NM_000302.4 (MANE Select); 18 bases into the intron before coding-DNA position 1903, C replaced by T.
Molecular consequence: intron variant.
Genome position (GRCh38, 1-based): chr1:11,972,854, C>T. VCF-style: chr1-11972854-C-T. GRCh37 (hg19) VCF-style: chr1-12032911-C-T.
Other names: c.2044-18C>T (NM_001316320.2).
Identifiers: ClinVar variation 512945 (VCV000512945.4), dbSNP rs750758605, ClinGen allele CA18020691.